The following is an entry in ClinVar:

NM_006005.3(WFS1):c.1692CCTCTT[1] (p.565LF[1])

Gene: WFS1 (wolframin ER transmembrane glycoprotein; plus strand). Cytogenetic location: 4p16.1.
Variant type: Microsatellite.
Coding change: c.1692CCTCTT[1] on transcript NM_006005.3 (MANE Select); one copy of the 6-base unit CCTCTT starting at c.1692; the reference has two copies in a row; one copy, 6 bases deleted; also written c.1698_1703del.
Protein change: p.565LF[1].
Molecular consequence: inframe deletion.
Genome position (GRCh38, 1-based): chr4:6,301,493-6,301,498, CCTCTT deleted; deleting any 6 consecutive bases within chr4:6,301,484-6,301,498 gives the same sequence; the position shown is the placement nearest the transcript's 3' end. VCF-style (leftmost placement, unchanged base first): chr4-6301483-ACTTCCT-A. GRCh37 (hg19) VCF-style: chr4-6303210-ACTTCCT-A.
Other names: c.1692CCTCTT[1], p.565LF[1] (NM_001145853.1); c.1698_1703del6 (NM_006005.3); c.1698_1703del (NM_006005.3); c.1698_1703delCCTCTT (NM_006005.3).
Identifiers: ClinVar variation 212612 (VCV000212612.22), dbSNP rs797046113, ClinGen allele CA277309.
Genomic context (GRCh38, chr4:6,301,483, plus strand): 5'-TCTCCGTGGTCATCCTGCTGGAGTCCACCGGCCTGGGGCTGCTCCGCGCCTCCATCGGCT[ACTTCCT>A]CTTCCTCTTTGCCCTCCCCATCCTGGTGGCCGGCCTGGCCCTGGTGGGCGTGCTGCAGTT-3'

ClinVar aggregate classification (germline): Pathogenic/Likely pathogenic. Review status: criteria provided, multiple submitters, no conflicts (2 of 4 stars). 9 submissions from 9 submitters: Pathogenic (3); Likely pathogenic (6). Last evaluated 2026-01-13.

Conditions:
WFS1-related disorder. Identifiers: MedGen CN379391, MONDO:0700293.
Inborn genetic diseases. Identifiers: MedGen C0950123, MeSH D030342.
Autosomal dominant nonsyndromic hearing loss 6 (LFSNHL). Also called: Autosomal dominant nonsyndromic deafness 6; DEAFNESS, AUTOSOMAL DOMINANT 6; DEAFNESS, AUTOSOMAL DOMINANT 14; DEAFNESS, AUTOSOMAL DOMINANT 38. Identifiers: Orphanet 90635, MedGen C1833021, MONDO:0010963, OMIM 600965.
Type 2 diabetes mellitus. Also called: Type II diabetes mellitus. Identifiers: MedGen C0011860, MeSH D003924, MONDO:0005148, OMIM 125853, HP:0005978.
Wolfram-like syndrome. Also called: HEARING LOSS, PROGRESSIVE, WITH OPTIC ATROPHY AND/OR IMPAIRED GLUCOSE REGULATION. Identifiers: Orphanet 411590, MedGen C3280358, MONDO:0013673, OMIM 614296.
Cataract 41 (CTRCT41). Also called: CATARACT 41, CONGENITAL NUCLEAR TYPE. Identifiers: Orphanet 91492, Orphanet 98991, Orphanet 98992, Orphanet 98995, MedGen C3805412, MONDO:0007287, OMIM 116400.
Wolfram syndrome 1 (WFS1). Identifiers: Orphanet 3463, MedGen C4551693, MONDO:0009101, OMIM 222300.
Wolfram syndrome. Also called: Diabetes mellitus AND insipidus with optic atrophy AND deafness; DIDMOAD (Diabetes Insipidus, Diabetes Mellitus, Optic Atrophy, and Deafness). Identifiers: Orphanet 3463, MedGen C0043207, MONDO:0018105.

Submissions (9):

GeneDx
Classification: Likely pathogenic. Last evaluated: 2026-01-13. Review status: criteria provided, single submitter. Criteria: GeneDx Variant Classification Process June 2021. Collection method: clinical testing. Allele origin: germline. Affected: yes.
Comment: In-frame deletion of 2 amino acid(s) in a non-repeat region; In silico analysis supports a deleterious effect on protein structure/function; This variant is associated with the following publications: (PMID: 20738327, 15605410, 23981289, 28432734, 18060660, 33879153, 17603484, 8808601, 39361122, Simo2024[preprint], 39766859, 10521293)

PreventionGenetics, part of Exact Sciences
Classification: Likely pathogenic for WFS1-related condition. Last evaluated: 2025-07-29. Review status: criteria provided, single submitter. Criteria: ACMG Guidelines, 2015. Collection method: clinical testing. Allele origin: germline.
Comment: The WFS1 c.1698_1703del6 variant is predicted to result in an in-frame deletion (p.Leu567_Phe568del). This variant has been reported in patients with autosomal recessive Wolfram syndrome in both homozygous and compound heterozygous states (Hardy et al. 1999. PubMed ID: 10521293; Giuliano et al. 2005. PubMed ID: 15605410; described as c.1689_1694delCTTCTT in Marshall et al. 2013. PubMed ID: 23981289; Internal Data, PreventionGenetics). This variant is reported in 0.0078% of alleles in individuals of European (non-Finnish) descent in gnomAD. This variant is interpreted as likely pathogenic.

Labcorp Genetics (formerly Invitae), Labcorp
Classification: Pathogenic. Last evaluated: 2025-05-11. Review status: criteria provided, single submitter. Criteria: Invitae Variant Classification Sherloc (09022015). Collection method: clinical testing. Allele origin: germline.
Comment: This variant, c.1698_1703del, results in the deletion of 2 amino acid(s) of the WFS1 protein (p.Leu567_Phe568del), but otherwise preserves the integrity of the reading frame. This variant is present in population databases (rs770916976, gnomAD 0.006%). This variant has been observed in individual(s) with autosomal recessive Wolfram syndrome (PMID: 10521293, 15605410, 23981289; internal data). This variant is also known as c.1689_1694delCTTCTT. ClinVar contains an entry for this variant (Variation ID: 212612). Experimental studies and prediction algorithms are not available or were not evaluated, and the functional significance of this variant is currently unknown. For these reasons, this variant has been classified as Pathogenic.

Ambry Genetics
Classification: Likely pathogenic for Inborn genetic diseases. Last evaluated: 2025-04-14. Review status: criteria provided, single submitter. Criteria: Ambry Variant Classification Scheme 2023. Collection method: clinical testing. Allele origin: germline.
Comment: The c.1698_1703delCCTCTT (p.L567_F568del) alteration, located in exon 8 (coding exon 7) of the WFS1 gene, results from an in-frame deletion of 6 nucleotides at positions c.1698 and c.1703. This results in the deletion of 2 amino acids between codons 567 and 568. for autosomal recessive WFS1-related Wolfram syndrome; however, its clinical significance for autosomal dominant Wolfram-like syndrome is uncertain. Based on data from gnomAD, the deleted allele has an overall frequency of 0.004% (12/282278) total alleles studied. The highest observed frequency was 0.008% (10/129020) of European (non-Finnish) alleles. This variant has been identified in the homozygous state and/or in conjunction with other WFS1 variant(s) in individual(s) with features consistent with autosomal recessive Wolfram syndrome; in at least one instance, the variants were identified in trans (Giuliano, 2005; Marshall, 2013; Astuti, 2017; Wu, 2024). These amino acid positions are highly conserved in available vertebrate species. This alteration is predicted to be deleterious by in silico analysis (Choi, 2012). Based on the available evidence, this alteration is classified as likely pathogenic.

Blueprint Genetics
Classification: Pathogenic for WFS1-related disorders. Last evaluated: 2024-08-11. Review status: criteria provided, single submitter. Criteria: ACMG Guidelines, 2015. Collection method: clinical testing. Allele origin: germline. Affected: yes. Observed: 5 variant alleles.

Fulgent Genetics
Classification: Likely pathogenic for Cataract 41; Type 2 diabetes mellitus; Wolfram syndrome 1; Autosomal dominant nonsyndromic hearing loss 6; Wolfram-like syndrome. Last evaluated: 2022-05-09. Review status: criteria provided, single submitter. Criteria: ACMG Guidelines, 2015. Collection method: clinical testing. Allele origin: unknown.

Women's Health and Genetics/Laboratory Corporation of America, LabCorp
Classification: Pathogenic for Wolfram syndrome 1. Last evaluated: 2022-01-19. Review status: criteria provided, single submitter. Criteria: LabCorp Variant Classification Summary - May 2015. Collection method: clinical testing. Allele origin: germline.
Comment: Variant summary: WFS1 c.1698_1703delCCTCTT (p.Leu567_Phe568del) results in an in-frame deletion that is predicted to remove two amino acids from the encoded protein. The variant allele was found at a frequency of 4e-05 in 250888 control chromosomes (gnomAD). c.1698_1703delCCTCTT has been reported in the literature in individuals affected with Wolfram Syndrome 1 (examples: Astuti_2017 and Giuliano_2004). These data indicate that the variant is likely to be associated with disease. To our knowledge, no experimental evidence demonstrating an impact on protein function has been reported. Two clinical diagnostic laboratories have submitted clinical-significance assessments for this variant to ClinVar after 2014 and classified the variant as likely pathogenic. Based on the evidence outlined above, the variant was classified as pathogenic.

Genetic Services Laboratory, University of Chicago
Classification: Likely pathogenic for Wolfram syndrome. Last evaluated: 2015-05-22. Review status: criteria provided, single submitter. Criteria: ACMG Guidelines, 2015. Collection method: clinical testing. Allele origin: germline. Affected: yes.

Clinical Genomics, Uppaluri K&H Personalized Medicine Clinic
Classification: Likely pathogenic for Wolfram syndrome 1. Review status: criteria provided, single submitter. Criteria: K & H Uppaluri Personalized Medicine Clinic Variant Classification & Assertion Criteria_Updated V.1. Collection method: research. Allele origin: unknown. Inheritance: Autosomal recessive inheritance.
Comment: Potent mutations in WFS1 gene are associated with Wolfram's syndrome, an autosomal recessive condition, which cause diabetes mellitus, diabetes insipidus, deafness and optic atrophy. However no sufficient evidence is found to ascertain the role of this particular variant rs797046113 in Wolfram's syndrome yet.

Literature cited by the submitters: PubMed 10521293 (cited by Labcorp Genetics (formerly Invitae), Labcorp); PubMed 15605410 (cited by 3 submitters); PubMed 23981289 (cited by Labcorp Genetics (formerly Invitae), Labcorp and Ambry Genetics); PubMed 28432734 (cited by Ambry Genetics and Women's Health and Genetics/Laboratory Corporation of America, LabCorp); PubMed 38764027 (cited by Ambry Genetics); PubMed 20738327 (cited by Clinical Genomics, Uppaluri K&H Personalized Medicine Clinic); PubMed 33879153 (cited by Clinical Genomics, Uppaluri K&H Personalized Medicine Clinic); PubMed 12955714 (cited by Clinical Genomics, Uppaluri K&H Personalized Medicine Clinic); PubMed 18060660 (cited by Clinical Genomics, Uppaluri K&H Personalized Medicine Clinic); PubMed 20301750 (cited by Clinical Genomics, Uppaluri K&H Personalized Medicine Clinic); PubMed 17603484 (cited by Clinical Genomics, Uppaluri K&H Personalized Medicine Clinic).